The following is an entry in ClinVar:

NM_000492.4(CFTR):c.3792del (p.Gly1265fs)

Genes: CFTR (CF transmembrane conductance regulator; plus strand), CFTR-AS2 (CFTR antisense RNA 2; minus strand). Cytogenetic location: 7q31.2.
Variant type: Deletion.
Coding change: c.3792del on transcript NM_000492.4 (MANE Select); coding-DNA position 3792, one base deleted (A; older notation c.3792delA).
Protein change: p.Gly1265fs; shifts the reading frame from glycine 1265.
Molecular consequence: frameshift variant.
Genome position (GRCh38, 1-based): chr7:117,642,512, A deleted; the last of 2 consecutive A bases (chr7:117,642,511-117,642,512); deleting either gives the same sequence. VCF-style (leftmost placement, unchanged base first): chr7-117642510-GA-G. GRCh37 (hg19) VCF-style: chr7-117282564-GA-G.
Other names: short protein forms G1265fs.
Identifiers: ClinVar variation 2822771 (VCV002822771.3), dbSNP rs2485159948, ClinGen allele CA2739279629.

ClinVar aggregate classification (germline): Pathogenic (1 of 4 stars; one submission).

Conditions:
Cystic fibrosis (CF). Also called: MUCOVISCIDOSIS. Identifiers: Orphanet 586, MedGen C0010674, MONDO:0009061, OMIM 219700. Disease mechanism: loss of function.

Submission:

Labcorp Genetics (formerly Invitae), Labcorp
Classification: Pathogenic for Cystic fibrosis. Last evaluated: 2022-12-21. Review status: criteria provided, single submitter. Criteria: Invitae Variant Classification Sherloc (09022015). Collection method: clinical testing. Allele origin: germline.
Comment: For these reasons, this variant has been classified as Pathogenic. This variant has not been reported in the literature in individuals affected with CFTR-related conditions. This variant is not present in population databases (gnomAD no frequency). This sequence change creates a premature translational stop signal (p.Gly1265Glufs*13) in the CFTR gene. It is expected to result in an absent or disrupted protein product. Loss-of-function variants in CFTR are known to be pathogenic (PMID: 1695717, 7691345, 9725922).

Literature cited by the submitters: PubMed 1695717; PubMed 7691345; PubMed 9725922.